The following is an entry in ClinVar:

ClinVar aggregate classification (germline): Likely benign. Review status: criteria provided, single submitter (1 of 4 stars). 2 submissions from 2 submitters: Likely benign (1). 1 of the submissions does not count toward it. Last evaluated 2023-04-11.

Conditions:
PKHD1-related disorder. Also called: PKHD1-related condition.
Autosomal recessive polycystic kidney disease (ARPKD). Also called: AR polycystic kidney disease. Identifiers: Orphanet 731, Orphanet 8378, MedGen C0085548, MeSH D017044, MONDO:0009889.

Allele frequency attached by ClinVar (database versions not stated): ExAC 0.00001; gnomAD 0.00001; 1000 Genomes Project 30x 0.00016; 1000 Genomes Project 0.00020.
gnomAD v4.1: 8 of 1,516,938 alleles (0.00053%); highest among the groups gnomAD compares: Middle Eastern, 0.051%; no homozygotes.

Submissions (2):

Labcorp Genetics (formerly Invitae), Labcorp
Classification: Likely benign for Autosomal recessive polycystic kidney disease. Last evaluated: 2023-04-11. Review status: criteria provided, single submitter. Criteria: Invitae Variant Classification Sherloc (09022015). Collection method: clinical testing. Allele origin: germline.

PreventionGenetics, part of Exact Sciences
Classification: Likely benign for PKHD1-related condition. Last evaluated: 2022-02-18. Review status: no assertion criteria provided. Collection method: clinical testing. Allele origin: germline. Not counted in ClinVar's aggregate classification.
Comment: This variant is classified as likely benign based on ACMG/AMP sequence variant interpretation guidelines (Richards et al. 2015 PMID: 25741868, with internal and published modifications).

NM_138694.4(PKHD1):c.11311-8A>G

Gene: PKHD1 (PKHD1 ciliary IPT domain containing fibrocystin/polyductin; minus strand). Cytogenetic location: 6p12.3.
Variant type: single nucleotide variant.
Coding change: c.11311-8A>G on transcript NM_138694.4 (MANE Select); 8 bases into the intron before coding-DNA position 11311, A replaced by G.
Molecular consequence: intron variant.
Genome position (GRCh38, 1-based): chr6:51,648,126, T>C on the plus strand (A>G on the coding strand, the complement: PKHD1 is on the minus strand). VCF-style: chr6-51648126-T-C. GRCh37 (hg19) VCF-style: chr6-51512924-T-C.
Other names: c.11311-8A>G (NM_138694.3).
Identifiers: ClinVar variation 1642882 (VCV001642882.10), dbSNP rs201733977, ClinGen allele CA3850893.